The following is an entry in ClinVar:

ClinVar aggregate classification (germline): Pathogenic (1 of 4 stars; one submission).

Submission:

Labcorp Genetics (formerly Invitae), Labcorp
Classification: Pathogenic. Last evaluated: 2022-10-13. Review status: criteria provided, single submitter. Criteria: Invitae Variant Classification Sherloc (09022015). Collection method: clinical testing. Allele origin: germline.
Comment: This variant is a gross deletion of the genomic region encompassing exon(s) 38-56 of the USH2A gene. This variant would be expected to be in-frame, preserving the integrity of the reading frame. A similar copy number variant has been observed in individual(s) with Usher syndrome (PMID: 26927203). The region of the USH2A gene that includes exon(s) 50-55 has been determined to be clinically significant (PMID: 22135276, 30190494; Invitae). Therefore, deletions that encompass that region are likely to be disease-causing. For these reasons, this variant has been classified as Pathogenic.

Literature cited by the submitters: PubMed 26927203; PubMed 22135276; PubMed 30190494.

NC_000001.10:g.(?_215940023)_(216108137_?)del

Gene: USH2A (usherin; minus strand). Cytogenetic location: 1q41.
Variant type: Deletion.
Identifiers: ClinVar variation 2427766 (VCV002427766.3).